The following is an entry in ClinVar:

ClinVar aggregate classification (germline): Likely benign (0 of 4 stars; one submission).

Conditions:
CPE-related disorder. Also called: CPE-related condition.

gnomAD v4.1: 15 of 1,558,894 alleles (0.00096%); highest among the groups gnomAD compares: Non-Finnish European, 0.0013%; no homozygotes.

Submission:

PreventionGenetics, part of Exact Sciences
Classification: Likely benign for CPE-related condition. Last evaluated: 2020-10-19. Review status: no assertion criteria provided. Collection method: clinical testing. Allele origin: germline.
Comment: This variant is classified as likely benign based on ACMG/AMP sequence variant interpretation guidelines (Richards et al. 2015 PMID: 25741868, with internal and published modifications).

NM_001873.4(CPE):c.96G>C (p.Ala32=)

Gene: CPE (carboxypeptidase E; plus strand). Cytogenetic location: 4q32.3.
Variant type: single nucleotide variant.
Coding change: c.96G>C on transcript NM_001873.4 (MANE Select); coding-DNA position 96, G replaced by C.
Protein change: p.Ala32=; no amino-acid change (alanine 32 retained).
Molecular consequence: synonymous variant.
Genome position (GRCh38, 1-based): chr4:165,379,317, G>C. VCF-style: chr4-165379317-G-C. GRCh37 (hg19) VCF-style: chr4-166300469-G-C.
Identifiers: ClinVar variation 3351219 (VCV003351219.1).